The following is an entry in ClinVar:

NM_003846.3(PEX11B):c.458G>A (p.Cys153Tyr)

Gene: PEX11B (peroxisomal biogenesis factor 11 beta; minus strand). Cytogenetic location: 1q21.1.
Variant type: single nucleotide variant.
Coding change: c.458G>A on transcript NM_003846.3 (MANE Select); coding-DNA position 458, G replaced by A.
Protein change: p.Cys153Tyr; replaces cysteine 153 with tyrosine.
Molecular consequence: missense variant. On other transcripts: non-coding transcript variant (3).
Genome position (GRCh38, 1-based): chr1:145,912,483, C>T on the plus strand (G>A on the coding strand, the complement: PEX11B is on the minus strand). VCF-style: chr1-145912483-C-T. GRCh37 (hg19) VCF-style: chr1-145522597-G-A.
Other names: c.416G>A, p.Cys139Tyr (NM_001184795.1); short protein forms C153Y, C139Y.
Identifiers: ClinVar variation 500524 (VCV000500524.17), dbSNP rs201973197, ClinGen allele CA1055607.

ClinVar aggregate classification (germline): Benign/Likely benign. Review status: criteria provided, multiple submitters, no conflicts (2 of 4 stars). 4 submissions from 4 submitters: Benign (1); Likely benign (2). 1 of the submissions does not count toward it. Last evaluated 2026-02-01.

Conditions:
PEX11B-related disorder. Also called: PEX11B-related condition.

Allele frequency attached by ClinVar (database versions not stated): gnomAD 0.00004 and 0.00023; TOPMed 0.00004; gnomAD exomes 0.00045 and 0.00075; ExAC 0.00076; 1000 Genomes Project 0.00120; 1000 Genomes Project 30x 0.00125.
gnomAD v4.1: 632 of 1,514,392 alleles (0.042%); highest among the groups gnomAD compares: South Asian, 0.7%; 9 homozygotes.

Submissions (4):

Labcorp Genetics (formerly Invitae), Labcorp
Classification: Benign. Last evaluated: 2026-02-01. Review status: criteria provided, single submitter. Criteria: Invitae Variant Classification Sherloc (09022015). Collection method: clinical testing. Allele origin: germline.

Blueprint Genetics
Classification: Likely benign. Last evaluated: 2024-11-18. Review status: criteria provided, single submitter. Criteria: ACMG Guidelines, 2015. Collection method: clinical testing. Allele origin: germline.

Eurofins Ntd Llc (ga)
Classification: Likely benign. Last evaluated: 2017-02-22. Review status: criteria provided, single submitter. Criteria: EGL Classification Definitions 2015. Collection method: clinical testing. Allele origin: germline. Observed: 1 variant allele, 1 heterozygote.

PreventionGenetics, part of Exact Sciences
Classification: Benign for PEX11B-related condition. Last evaluated: 2019-08-28. Review status: no assertion criteria provided. Collection method: clinical testing. Allele origin: germline. Not counted in ClinVar's aggregate classification.
Comment: This variant is classified as benign based on ACMG/AMP sequence variant interpretation guidelines (Richards et al. 2015 PMID: 25741868, with internal and published modifications).